The following is an entry in ClinVar:

NM_002354.3(EPCAM):c.809C>T (p.Ala270Val)

Gene: EPCAM (epithelial cell adhesion molecule; plus strand). Cytogenetic location: 2p21.
Variant type: single nucleotide variant.
Coding change: c.809C>T on transcript NM_002354.3 (MANE Select); coding-DNA position 809, C replaced by T.
Protein change: p.Ala270Val; replaces alanine 270 with valine.
Molecular consequence: missense variant.
Genome position (GRCh38, 1-based): chr2:47,379,920, C>T. VCF-style: chr2-47379920-C-T. GRCh37 (hg19) VCF-style: chr2-47607059-C-T.
Other names: short protein forms A270V.
Identifiers: ClinVar variation 3222140 (VCV003222140.1), dbSNP rs1396895872, ClinGen allele CA346724870.

ClinVar aggregate classification (germline): Uncertain significance (1 of 4 stars; one submission).

Conditions:
Hereditary cancer-predisposing syndrome. Also called: Tumor predisposition; Hereditary neoplastic syndrome; Hereditary Cancer Syndrome; Neoplastic Syndromes, Hereditary. Identifiers: Orphanet 140162, MedGen C0027672, MeSH D009386, MONDO:0015356.

Submission:

Ambry Genetics
Classification: Uncertain significance for Hereditary cancer-predisposing syndrome. Last evaluated: 2023-10-08. Review status: criteria provided, single submitter. Criteria: Ambry Variant Classification Scheme 2023. Collection method: clinical testing. Allele origin: germline.
Comment: The p.A270V variant (also known as c.809C>T), located in coding exon 7 of the EPCAM gene, results from a C to T substitution at nucleotide position 809. The alanine at codon 270 is replaced by valine, an amino acid with similar properties. This amino acid position is conserved. In addition, this alteration is predicted to be deleterious by in silico analysis. Since supporting evidence is limited at this time, the clinical significance of this alteration remains unclear.